The following is an entry in ClinVar:

ClinVar aggregate classification (germline): Pathogenic (1 of 4 stars; one submission).

Conditions:
Peutz-Jeghers syndrome (PJS). Also called: Peutz-Jeghers polyposis; Periorificial lentiginosis syndrome; POLYPOSIS, HAMARTOMATOUS INTESTINAL; POLYPS-AND-SPOTS SYNDROME. Identifiers: Orphanet 2869, MedGen C0031269, MeSH D010580, MONDO:0008280, OMIM 175200.

Submission:

Department of Clinical Genetics, Copenhagen University Hospital, Rigshospitalet
Classification: Pathogenic for Peutz-Jeghers syndrome. Last evaluated: 2025-01-10. Review status: criteria provided, single submitter. Criteria: ACMG Guidelines, 2015. Collection method: clinical testing. Allele origin: germline. Affected: yes.
Comment: The following ACMG criteria was used: PVS1; PM2_SUP; PS4_SUP

Literature cited by the submitters: PubMed 37017260.

NM_000455.5(STK11):c.634_652del (p.Thr212fs)

Gene: STK11 (serine/threonine kinase 11; plus strand). Cytogenetic location: 19p13.3.
Variant type: Deletion.
Coding change: c.634_652del on transcript NM_000455.5 (MANE Select); coding-DNA positions 634 to 652, 19 bases deleted (ACCAGCCAGGGCTCCCCGG).
Protein change: p.Thr212fs; shifts the reading frame from threonine 212.
Molecular consequence: frameshift variant. On other transcripts: non-coding transcript variant (1).
Genome position (GRCh38, 1-based): chr19:1,220,617-1,220,635, ACCAGCCAGGGCTCCCCGG deleted; deleting any 19 consecutive bases within chr19:1,220,613-1,220,635 gives the same sequence; the c. name uses the placement nearest the transcript's 3' end. VCF-style (leftmost placement, unchanged base first): chr19-1220612-GCCGGACCAGCCAGGGCTCC-G. GRCh37 (hg19) VCF-style: chr19-1220611-GCCGGACCAGCCAGGGCTCC-G.
Other names: c.634_652del, p.Thr212fs (NM_001407255.1); short protein forms T212fs.
Identifiers: ClinVar variation 3600333 (VCV003600333.1).